The following is an entry in ClinVar:

NM_001046.3(SLC12A2):c.653T>G (p.Met218Arg)

Gene: SLC12A2 (solute carrier family 12 member 2; plus strand). Cytogenetic location: 5q23.3.
Variant type: single nucleotide variant.
Coding change: c.653T>G on transcript NM_001046.3 (MANE Select); coding-DNA position 653, T replaced by G.
Protein change: p.Met218Arg; replaces methionine 218 with arginine.
Molecular consequence: missense variant. On other transcripts: non-coding transcript variant (1).
Genome position (GRCh38, 1-based): chr5:128,084,607, T>G. VCF-style: chr5-128084607-T-G. GRCh37 (hg19) VCF-style: chr5-127420299-T-G.
Other names: c.653T>G, p.Met218Arg (NM_001256461.2); short protein forms M218R.
Identifiers: ClinVar variation 2430352 (VCV002430352.2), dbSNP rs2480692731, ClinGen allele CA360736945.

ClinVar aggregate classification (germline): Uncertain significance (1 of 4 stars; one submission).

Submission:

Centre of Medical Genetics, University Hospital Muenster
Classification: Uncertain significance. Last evaluated: 2023-01-18. Review status: criteria provided, single submitter. Criteria: ACMG Guidelines, 2015. Collection method: clinical testing. Allele origin: unknown. Affected: yes. Observed: 1 variant allele, 1 heterozygote.
Comment: ACMG categories: PM1,PM2,PP3,BP1